The following is an entry in ClinVar:

ClinVar aggregate classification (germline): Conflicting classifications of pathogenicity. Review status: criteria provided, conflicting classifications (1 of 4 stars). 2 submissions from 2 submitters: Uncertain significance (1); Benign (1). Last evaluated 2025-09-02.

Conditions:
Adams-Oliver syndrome 5 (AOS5). Identifiers: Orphanet 974, MedGen C4014970, MONDO:0014459, OMIM 616028.
Familial thoracic aortic aneurysm and aortic dissection (TAAD). Also called: Thoracic aortic aneurysms and dissections. Identifiers: Orphanet 91387, MedGen C4707243, MONDO:0019625.

Allele frequency attached by ClinVar (database versions not stated): ExAC 0.00003; ESP Exome Variant Server 0.00008.
gnomAD v4.1: 32 of 1,542,622 alleles (0.0021%); highest among the groups gnomAD compares: East Asian, 0.038%; no homozygotes.

Submissions (2):

Labcorp Genetics (formerly Invitae), Labcorp
Classification: Benign for Adams-Oliver syndrome 5. Last evaluated: 2025-09-02. Review status: criteria provided, single submitter. Criteria: Invitae Variant Classification Sherloc (09022015). Collection method: clinical testing. Allele origin: germline.

Ambry Genetics
Classification: Uncertain significance for Familial thoracic aortic aneurysm and aortic dissection. Last evaluated: 2024-04-19. Review status: criteria provided, single submitter. Criteria: Ambry Variant Classification Scheme 2023. Collection method: clinical testing. Allele origin: germline.
Comment: The p.T805M variant (also known as c.2414C>T), located in coding exon 15 of the NOTCH1 gene, results from a C to T substitution at nucleotide position 2414. The threonine at codon 805 is replaced by methionine, an amino acid with similar properties. This amino acid position is conserved. In addition, the in silico prediction for this alteration is inconclusive. Based on the available evidence, the clinical significance of this variant remains unclear.

NM_017617.5(NOTCH1):c.2414C>T (p.Thr805Met)

Gene: NOTCH1 (notch receptor 1; minus strand). Cytogenetic location: 9q34.3.
Variant type: single nucleotide variant.
Coding change: c.2414C>T on transcript NM_017617.5 (MANE Select); coding-DNA position 2414, C replaced by T.
Protein change: p.Thr805Met; replaces threonine 805 with methionine.
Molecular consequence: missense variant.
Genome position (GRCh38, 1-based): chr9:136,513,074, G>A on the plus strand (C>T on the coding strand, the complement: NOTCH1 is on the minus strand). VCF-style: chr9-136513074-G-A. GRCh37 (hg19) VCF-style: chr9-139407526-G-A.
Other names: c.2414C>T (NM_017617.3); short protein forms T805M.
Identifiers: ClinVar variation 2202944 (VCV002202944.5), dbSNP rs374937899, ClinGen allele CA5341364.